The following is an entry in ClinVar:

ClinVar aggregate classification (germline): Conflicting classifications of pathogenicity. Review status: criteria provided, conflicting classifications (1 of 4 stars). 2 submissions from 2 submitters: Pathogenic (1); Uncertain significance (1). Last evaluated 2024-09-12.

Conditions:
Spinocerebellar ataxia type 15/16 (SCA15). Also called: Spinocerebellar Ataxia Type 15. Identifiers: Orphanet 98769, MedGen C1847725, MONDO:0011694, OMIM 606658.

Submissions (2):

GeneDx
Classification: Uncertain significance. Last evaluated: 2024-09-12. Review status: criteria provided, single submitter. Criteria: GeneDx Variant Classification Process June 2021. Collection method: clinical testing. Allele origin: germline.
Comment: Identified by exome sequencing as a de novo finding in a fetus with hydrops, hydronephrosis, ventriculomegaly, and enlarged cisterna magna in published literature (PMID: 31974414); Reported as a de novo variant in a patient with a developmental disorder; however, no further clinical information was provided (PMID: 31785789); Not observed at significant frequency in large population cohorts (gnomAD); In silico analysis indicates that this missense variant does not alter protein structure/function; This variant is associated with the following publications: (PMID: 31974414, 33057194, 35982159, 31785789)

Centre de Biologie Pathologie Génétique, Centre Hospitalier Universitaire de Lille
Classification: Pathogenic for Spinocerebellar ataxia type 15/16. Review status: criteria provided, single submitter. Criteria: ACMG Guidelines, 2015. Collection method: clinical testing. Allele origin: de novo. Affected: yes.

NM_001378452.1(ITPR1):c.7636G>A (p.Val2546Met)

Genes: ITPR1 (inositol 1,4,5-trisphosphate receptor type 1; plus strand), LOC126806590 (MED14-independent group 3 enhancer GRCh37_chr3:4855759-4856958; plus strand). Cytogenetic location: 3p26.1.
Variant type: single nucleotide variant.
Coding change: c.7636G>A on transcript NM_001378452.1 (MANE Select); coding-DNA position 7636, G replaced by A.
Protein change: p.Val2546Met; replaces valine 2546 with methionine.
Molecular consequence: missense variant.
Genome position (GRCh38, 1-based): chr3:4,814,497, G>A. VCF-style: chr3-4814497-G-A. GRCh37 (hg19) VCF-style: chr3-4856181-G-A.
Other names: c.7447G>A (NM_002222.5); c.7492G>A, p.Val2498Met (NM_001099952.4); c.7591G>A, p.Val2531Met (NM_001168272.2); c.7447G>A, p.Val2483Met (NM_002222.7); short protein forms V2483M, V2498M, V2531M, V2546M.
Identifiers: ClinVar variation 1700083 (VCV001700083.4), dbSNP rs2106492941, ClinGen allele CA351649041.